The following is an entry in ClinVar:

NM_006267.5(RANBP2):c.2330A>G (p.His777Arg)

Gene: RANBP2 (RAN binding protein 2; plus strand). Cytogenetic location: 2q13.
Variant type: single nucleotide variant.
Coding change: c.2330A>G on transcript NM_006267.5 (MANE Select); coding-DNA position 2330, A replaced by G.
Protein change: p.His777Arg; replaces histidine 777 with arginine.
Molecular consequence: missense variant.
Genome position (GRCh38, 1-based): chr2:108,755,032, A>G. VCF-style: chr2-108755032-A-G. GRCh37 (hg19) VCF-style: chr2-109371488-A-G.
Other names: short protein forms H777R.
Identifiers: ClinVar variation 383001 (VCV000383001.13), dbSNP rs61748146, ClinGen allele CA1822632.

ClinVar aggregate classification (germline): Benign. Review status: criteria provided, multiple submitters, no conflicts (2 of 4 stars). 3 submissions from 3 submitters: Benign (3). Last evaluated 2025-11-14.

Conditions:
Familial acute necrotizing encephalopathy (IIAE3). Also called: ENCEPHALOPATHY, ACUTE, INFECTION-INDUCED, SUSCEPTIBILITY TO, 3; Susceptibility to Acute Necrotizing Encephalopathy 1. Identifiers: Orphanet 88619, MedGen C2675556, MONDO:0011953, OMIM 608033.

Allele frequency attached by ClinVar (database versions not stated): gnomAD exomes 0.00207 and 0.00555; ExAC 0.00695; gnomAD 0.02082 and 0.02199; TOPMed 0.02283; ESP Exome Variant Server 0.02292; 1000 Genomes Project 0.02496; 1000 Genomes Project 30x 0.02670.
gnomAD v4.1: 6,323 of 1,611,920 alleles (0.39%); highest among the groups gnomAD compares: African/African-American, 7.2%; 216 homozygotes.

Submissions (3):

Labcorp Genetics (formerly Invitae), Labcorp
Classification: Benign for Familial acute necrotizing encephalopathy. Last evaluated: 2025-11-14. Review status: criteria provided, single submitter. Criteria: Invitae Variant Classification Sherloc (09022015). Collection method: clinical testing. Allele origin: germline.

GeneDx
Classification: Benign. Last evaluated: 2016-06-06. Review status: criteria provided, single submitter. Criteria: GeneDx Variant Classification (06012015). Collection method: clinical testing. Allele origin: germline. Affected: yes.
Comment: This variant is considered likely benign or benign based on one or more of the following criteria: it is a conservative change, it occurs at a poorly conserved position in the protein, it is predicted to be benign by multiple in silico algorithms, and/or has population frequency not consistent with disease.

Breakthrough Genomics
Classification: Benign. Review status: criteria provided, single submitter. Criteria: ACMG Guidelines, 2015. Collection method: not provided. Allele origin: germline. Inheritance: Autosomal dominant inheritance. Affected: yes.